The following is an entry in ClinVar:

ClinVar aggregate classification (germline): Uncertain significance. Review status: criteria provided, multiple submitters, no conflicts (2 of 4 stars). 3 submissions from 3 submitters: Uncertain significance (3). Last evaluated 2026-07-06.

Conditions:
Hereditary cancer-predisposing syndrome. Also called: Neoplastic Syndromes, Hereditary; Hereditary neoplastic syndrome; Hereditary Cancer Syndrome; Tumor predisposition. Identifiers: Orphanet 140162, MedGen C0027672, MeSH D009386, MONDO:0015356.
Familial cancer of breast. Also called: hereditary breast carcinoma; Hereditary breast cancer; BREAST CANCER, FAMILIAL. Identifiers: Orphanet 227535, MedGen C0346153, MONDO:0016419, OMIM 114480. Disease mechanism: loss of function.

Submissions (3):

Ambry Genetics
Classification: Uncertain significance for Hereditary cancer-predisposing syndrome. Last evaluated: 2026-07-06. Review status: criteria provided, single submitter. Criteria: Ambry Variant Classification Scheme 2023. Collection method: clinical testing. Allele origin: germline.
Comment: The p.I265V variant (also known as c.793A>G), located in coding exon 4 of the PALB2 gene, results from an A to G substitution at nucleotide position 793. The isoleucine at codon 265 is replaced by valine, an amino acid with highly similar properties. This amino acid position is conserved. In addition, this alteration is predicted to be tolerated by in silico analysis. Based on the available evidence, the clinical significance of this variant remains unclear.

Labcorp Genetics (formerly Invitae), Labcorp
Classification: Uncertain significance for Familial cancer of breast. Last evaluated: 2024-09-16. Review status: criteria provided, single submitter. Criteria: Invitae Variant Classification Sherloc (09022015). Collection method: clinical testing. Allele origin: germline.
Comment: This sequence change replaces isoleucine, which is neutral and non-polar, with valine, which is neutral and non-polar, at codon 265 of the PALB2 protein (p.Ile265Val). This variant is not present in population databases (gnomAD no frequency). This variant has not been reported in the literature in individuals affected with PALB2-related conditions. ClinVar contains an entry for this variant (Variation ID: 461022). An algorithm developed to predict the effect of missense changes on protein structure and function outputs the following: PolyPhen-2: "Benign". The valine amino acid residue is found in multiple mammalian species, which suggests that this missense change does not adversely affect protein function. In summary, the available evidence is currently insufficient to determine the role of this variant in disease. Therefore, it has been classified as a Variant of Uncertain Significance.

Color Diagnostics, LLC DBA Color Health
Classification: Uncertain significance for Hereditary cancer-predisposing syndrome. Last evaluated: 2018-07-29. Review status: criteria provided, single submitter. Criteria: ACMG Guidelines, 2015. Collection method: clinical testing. Allele origin: germline.

NM_024675.4(PALB2):c.793A>G (p.Ile265Val)

Gene: PALB2 (partner and localizer of BRCA2; minus strand). Cytogenetic location: 16p12.2.
Variant type: single nucleotide variant.
Coding change: c.793A>G on transcript NM_024675.4 (MANE Select); coding-DNA position 793, A replaced by G.
Protein change: p.Ile265Val; replaces isoleucine 265 with valine.
Molecular consequence: missense variant.
Genome position (GRCh38, 1-based): chr16:23,635,753, T>C on the plus strand (A>G on the coding strand, the complement: PALB2 is on the minus strand). VCF-style: chr16-23635753-T-C. GRCh37 (hg19) VCF-style: chr16-23647074-T-C.
Other names: short protein forms I265V.
Identifiers: ClinVar variation 461022 (VCV000461022.12), dbSNP rs1555461620, ClinGen allele CA395136033.
Genomic context (GRCh38, chr16:23,635,753, plus strand): 5'-AAGTAAATCTAATGTTTTTTAGGTCGTGAGTAGTAAGTTCACTGCTACCTTTAGGAGGAA[T>C]GTGTTCAAGGTGCTGACTACTACCGCTATCTGATAGAGTCTGTAAAGGAACTGTAGTCGC-3'
Protein context (NP_078951.2, residues 255-275): DSGSSQHLEH[Ile265Val]PPKGSSELTT